The following is an entry in ClinVar:

ClinVar aggregate classification (germline): Likely pathogenic (1 of 4 stars; one submission).

Conditions:
Autosomal recessive spinocerebellar ataxia 20. Identifiers: Orphanet 397709, MedGen C5190595, MONDO:0014601, OMIM 616354.

Allele frequency attached by ClinVar (database versions not stated): gnomAD exomes below 0.00001.
gnomAD v4.1: 2 of 1,606,092 alleles (0.00012%); highest among the groups gnomAD compares: Non-Finnish European, 0.00017%; no homozygotes.

Submission:

GeneDx
Classification: Likely pathogenic. Last evaluated: 2017-04-27. Review status: criteria provided, single submitter. Criteria: GeneDx Variant Classification (06012015). Collection method: clinical testing. Allele origin: germline. Affected: yes.
Comment: The c.2557+1G>A variant in the SNX14 gene has not been reported previously as a pathogenic variant nor as abenign variant, to our knowledge. This splice site variant destroys the canonical splice donor site in intron 25, whichis predicted to cause abnormal gene splicing. The c.2557+1G>A variant was not observed in approximately 6500individuals of European and African American ancestry in the NHLBI Exome Sequencing Project, indicating it is nota common benign variant in these populations. The c.2557+1G>A variant is a strong candidate for a pathogenicvariant, however the possibility it may be a rare benign variant cannot be excluded.

NM_153816.6(SNX14):c.2557+1G>A

Gene: SNX14 (sorting nexin 14; minus strand). Cytogenetic location: 6q14.3.
Variant type: single nucleotide variant.
Coding change: c.2557+1G>A on transcript NM_153816.6 (MANE Select); the canonical splice donor site of the intron after coding-DNA position 2557, G replaced by A.
Molecular consequence: splice donor variant. On other transcripts: intron variant (2).
Genome position (GRCh38, 1-based): chr6:85,514,069, C>T on the plus strand (G>A on the coding strand, the complement: SNX14 is on the minus strand). VCF-style: chr6-85514069-C-T. GRCh37 (hg19) VCF-style: chr6-86223787-C-T.
Other names: c.2266+1G>A (NM_001350543.2); c.2398+1G>A (NM_001350539.2, NM_020468.6); c.2269+1G>A (NM_001350542.2); c.2113+1G>A (NM_001350546.2, NM_001350545.2); c.1507+1G>A (NM_001350547.2); c.2257+1G>A (NM_001350544.2); c.1375+1G>A (NM_001350553.2); c.1402+1G>A (NM_001350549.2, NM_001350548.2, NM_001350551.2 and 2 more transcripts); and 10 more.
Identifiers: ClinVar variation 422470 (VCV000422470.4), dbSNP rs200277996, ClinGen allele CA16618337.